The following is an entry in ClinVar:

NM_001291303.3(FAT4):c.6665C>G (p.Thr2222Ser)

Gene: FAT4 (FAT atypical cadherin 4; plus strand). Cytogenetic location: 4q28.1.
Variant type: single nucleotide variant.
Coding change: c.6665C>G on transcript NM_001291303.3 (MANE Select); coding-DNA position 6665, C replaced by G.
Protein change: p.Thr2222Ser; replaces threonine 2222 with serine.
Molecular consequence: missense variant.
Genome position (GRCh38, 1-based): chr4:125,415,628, C>G. VCF-style: chr4-125415628-C-G. GRCh37 (hg19) VCF-style: chr4-126336783-C-G.
Other names: c.6665C>G, p.Thr2222Ser (NM_001291285.3, NM_001438396.1, NM_001438397.1 and 1 more transcripts); c.1436C>G, p.Thr479Ser (NM_001437895.1); short protein forms T2222S, T479S.
Identifiers: ClinVar variation 5037428 (VCV005037428.1).

ClinVar aggregate classification (germline): Uncertain significance (1 of 4 stars; one submission).

gnomAD v4.1: 8 of 1,613,874 alleles (0.0005%); highest among the groups gnomAD compares: Admixed American, 0.0033%; no homozygotes.

Submission:

GeneDx
Classification: Uncertain significance. Last evaluated: 2026-04-19. Review status: criteria provided, single submitter. Criteria: GeneDx Variant Classification Process June 2021. Collection method: clinical testing. Allele origin: germline.
Comment: Not observed at significant frequency in large population cohorts (gnomAD); In silico analysis suggests that this missense variant does not alter protein structure/function; Has not been previously published as pathogenic or benign to our knowledge